The following is an entry in ClinVar:

ClinVar aggregate classification (germline): Uncertain significance (1 of 4 stars; one submission).

Allele frequency attached by ClinVar (database versions not stated): gnomAD exomes below 0.00001; TOPMed below 0.00001; gnomAD 0.00001.

Submission:

Labcorp Genetics (formerly Invitae), Labcorp
Classification: Uncertain significance. Last evaluated: 2019-08-20. Review status: criteria provided, single submitter. Criteria: Invitae Variant Classification Sherloc (09022015). Collection method: clinical testing. Allele origin: germline.
Comment: This sequence change replaces proline with threonine at codon 560 of the BEST1 protein (p.Pro560Thr). The proline residue is weakly conserved and there is a small physicochemical difference between proline and threonine. This variant is not present in population databases (ExAC no frequency). This variant has not been reported in the literature in individuals with BEST1-related conditions. Algorithms developed to predict the effect of missense changes on protein structure and function output the following: SIFT: "Tolerated"; PolyPhen-2: "Benign"; Align-GVGD: "Class C0". The threonine amino acid residue is found in multiple mammalian species, suggesting that this missense change does not adversely affect protein function. These predictions have not been confirmed by published functional studies and their clinical significance is uncertain. In summary, the available evidence is currently insufficient to determine the role of this variant in disease. Therefore, it has been classified as a Variant of Uncertain Significance.

NM_004183.4(BEST1):c.1678C>A (p.Pro560Thr)

Gene: BEST1 (bestrophin 1; plus strand). Cytogenetic location: 11q12.3.
Variant type: single nucleotide variant.
Coding change: c.1678C>A on transcript NM_004183.4 (MANE Select); coding-DNA position 1678, C replaced by A.
Protein change: p.Pro560Thr; replaces proline 560 with threonine.
Molecular consequence: missense variant. On other transcripts: non-coding transcript variant (1).
Genome position (GRCh38, 1-based): chr11:61,962,832, C>A. VCF-style: chr11-61962832-C-A. GRCh37 (hg19) VCF-style: chr11-61730304-C-A.
Other names: c.1498C>A, p.Pro500Thr (NM_001139443.3, NM_001300787.2); c.1417C>A, p.Pro473Thr (NM_001300786.2); c.1360C>A, p.Pro454Thr (NM_001363591.3); c.*573C>A (NM_001363592.2); c.706C>A, p.Pro236Thr (NM_001363593.3); short protein forms P473T, P500T, P236T, P454T, P560T.
Identifiers: ClinVar variation 943787 (VCV000943787.9), dbSNP rs1942217534, ClinGen allele CA380850414.